The following is an entry in ClinVar:

ClinVar aggregate classification (germline): Uncertain significance. Review status: criteria provided, single submitter (1 of 4 stars). 2 submissions from 2 submitters: Uncertain significance (1). 1 of the submissions does not count toward it. Last evaluated 2021-08-28.

Conditions:
Usher syndrome type 1B (USH1B). Also called: Usher syndrome type IB. Identifiers: MedGen C1848638, MONDO:0700087.

Allele frequency attached by ClinVar (database versions not stated): TOPMed below 0.00001; gnomAD 0.00001; gnomAD exomes 0.00001.

Submissions (2):

Labcorp Genetics (formerly Invitae), Labcorp
Classification: Uncertain significance. Last evaluated: 2021-08-28. Review status: criteria provided, single submitter. Criteria: Invitae Variant Classification Sherloc (09022015). Collection method: clinical testing. Allele origin: germline.
Comment: This sequence change replaces methionine with threonine at codon 1781 of the MYO7A protein (p.Met1781Thr). The methionine residue is highly conserved and there is a moderate physicochemical difference between methionine and threonine. This variant is not present in population databases (ExAC no frequency). This variant has not been reported in the literature in individuals affected with MYO7A-related conditions. Algorithms developed to predict the effect of missense changes on protein structure and function are either unavailable or do not agree on the potential impact of this missense change (SIFT: "Deleterious"; PolyPhen-2: "Benign"; Align-GVGD: "Class C0"). In summary, the available evidence is currently insufficient to determine the role of this variant in disease. Therefore, it has been classified as a Variant of Uncertain Significance.

Natera, Inc.
Classification: Uncertain significance for Usher syndrome type 1B. Last evaluated: 2025-04-14. Review status: no assertion criteria provided. Collection method: clinical testing. Allele origin: germline. Not counted in ClinVar's aggregate classification.

NM_000260.4(MYO7A):c.5342T>C (p.Met1781Thr)

Gene: MYO7A (myosin VIIA; plus strand). Cytogenetic location: 11q13.5.
Variant type: single nucleotide variant.
Coding change: c.5342T>C on transcript NM_000260.4 (MANE Select); coding-DNA position 5342, T replaced by C.
Protein change: p.Met1781Thr; replaces methionine 1781 with threonine.
Molecular consequence: missense variant.
Genome position (GRCh38, 1-based): chr11:77,204,091, T>C. VCF-style: chr11-77204091-T-C. GRCh37 (hg19) VCF-style: chr11-76915136-T-C.
Other names: c.5228T>C, p.Met1743Thr (NM_001127180.2); c.5195T>C, p.Met1732Thr (NM_001369365.1); short protein forms M1732T, M1781T, M1743T.
Identifiers: ClinVar variation 847917 (VCV000847917.8), dbSNP rs1351649449, ClinGen allele CA381952526.